The following is an entry in ClinVar:

ClinVar aggregate classification (germline): Conflicting classifications of pathogenicity. Review status: criteria provided, conflicting classifications (1 of 4 stars). 2 submissions from 2 submitters: Uncertain significance (1); Benign (1). Last evaluated 2026-04-28.

Conditions:
Colorectal cancer, susceptibility to, 1. Also called: COLORECTAL ADENOMA AND CANCER, SUSCEPTIBILITY TO; COLORECTAL CANCER, SUSCEPTIBILITY TO, ON CHROMOSOME 9. Identifiers: MedGen C1837315, MONDO:0012132, OMIM 608812.

Submissions (2):

Myriad Genetics, Inc.
Classification: Benign for Colorectal cancer, susceptibility to, 1. Last evaluated: 2026-04-28. Review status: criteria provided, single submitter. Criteria: Myriad Autosomal Dominant, Autosomal Recessive and X-Linked Classification Criteria (2023). Collection method: clinical testing. Allele origin: unknown.
Comment: This variant is considered benign. This variant occurs in the non-coding 3' untranslated region of the gene and is not expected to impact protein function.

Quest Diagnostics Nichols Institute San Juan Capistrano
Classification: Uncertain significance. Last evaluated: 2025-03-20. Review status: criteria provided, single submitter. Criteria: Quest Diagnostics criteria. Collection method: clinical testing. Allele origin: unknown.
Comment: The GALNT12 c.*1A>G variant has not been reported in individuals with GALNT12-related conditions in the published literature. The frequency of this variant in the general population (Genome Aggregation Database) is uninformative in the assessment of its pathogenicity. Based on the available information, we are unable to determine the clinical significance of this variant.

NM_024642.5(GALNT12):c.*1A>G

Gene: GALNT12 (polypeptide N-acetylgalactosaminyltransferase 12; plus strand). Cytogenetic location: 9q22.33.
Variant type: single nucleotide variant.
Coding change: c.*1A>G on transcript NM_024642.5 (MANE Select); 1 bases downstream of the stop codon, A replaced by G.
Molecular consequence: 3 prime UTR variant.
Genome position (GRCh38, 1-based): chr9:98,849,093, A>G. VCF-style: chr9-98849093-A-G. GRCh37 (hg19) VCF-style: chr9-101611375-A-G.
Identifiers: ClinVar variation 4533146 (VCV004533146.2).
Genomic context (GRCh38, chr9:98,849,093, plus strand): 5'-TTACGAGACTGCACCAACTCGGATCATCAGAAATGGTTCTTCAAAGAGCGCATGTTATGA[A>G]GCCTCGTGTATCAAGGAGCCCATCGAAGGAGACTGTGGAGCCAGGACTCTGCCCAACAAA-3'